The following is an entry in ClinVar:

NM_006790.3(MYOT):c.53G>T (p.Gly18Val)

Genes: PKD2L2-DT (PKD2L2 divergent transcript; minus strand), MYOT (myotilin; plus strand). Cytogenetic location: 5q31.2.
Variant type: single nucleotide variant.
Coding change: c.53G>T on transcript NM_006790.3 (MANE Select); coding-DNA position 53, G replaced by T.
Protein change: p.Gly18Val; replaces glycine 18 with valine.
Molecular consequence: missense variant. On other transcripts: intron variant (2).
Genome position (GRCh38, 1-based): chr5:137,870,704, G>T. VCF-style: chr5-137870704-G-T. GRCh37 (hg19) VCF-style: chr5-137206393-G-T.
Other names: c.-120-173G>T (NM_001300911.2); c.-197+179G>T (NM_001135940.2); short protein forms G18V.
Identifiers: ClinVar variation 2103106 (VCV002103106.4), dbSNP rs2531990724, ClinGen allele CA361477854.

ClinVar aggregate classification (germline): Uncertain significance (1 of 4 stars; one submission).

Conditions:
Myofibrillar myopathy 3 (MFM3). Also called: Autosomal dominant spheroid body myopathy; Muscular dystrophy, proximal, type 1A. Identifiers: Orphanet 266, Orphanet 268129, MedGen C3714934, MONDO:0012215, OMIM 609200.

Submission:

Labcorp Genetics (formerly Invitae), Labcorp
Classification: Uncertain significance for Myofibrillar myopathy 3. Last evaluated: 2022-02-25. Review status: criteria provided, single submitter. Criteria: Invitae Variant Classification Sherloc (09022015). Collection method: clinical testing. Allele origin: germline.
Comment: This sequence change replaces glycine, which is neutral and non-polar, with valine, which is neutral and non-polar, at codon 18 of the MYOT protein (p.Gly18Val). This variant is not present in population databases (gnomAD no frequency). This variant has not been reported in the literature in individuals affected with MYOT-related conditions. Algorithms developed to predict the effect of missense changes on protein structure and function (SIFT, PolyPhen-2, Align-GVGD) all suggest that this variant is likely to be tolerated. In summary, the available evidence is currently insufficient to determine the role of this variant in disease. Therefore, it has been classified as a Variant of Uncertain Significance.